The following is an entry in ClinVar:

NM_015102.5(NPHP4):c.2237C>G (p.Thr746Ser)

Gene: NPHP4 (nephrocystin 4; minus strand). Cytogenetic location: 1p36.31.
Variant type: single nucleotide variant.
Coding change: c.2237C>G on transcript NM_015102.5 (MANE Select); coding-DNA position 2237, C replaced by G.
Protein change: p.Thr746Ser; replaces threonine 746 with serine.
Molecular consequence: missense variant. On other transcripts: non-coding transcript variant (1).
Genome position (GRCh38, 1-based): chr1:5,890,935, G>C on the plus strand (C>G on the coding strand, the complement: NPHP4 is on the minus strand). VCF-style: chr1-5890935-G-C. GRCh37 (hg19) VCF-style: chr1-5950995-G-C.
Other names: c.698C>G, p.Thr233Ser (NM_001291593.2); c.701C>G, p.Thr234Ser (NM_001291594.2); short protein forms T233S, T234S, T746S.
Identifiers: ClinVar variation 1003111 (VCV001003111.8), dbSNP rs780500004, ClinGen allele CA554233.

ClinVar aggregate classification (germline): Conflicting classifications of pathogenicity. Review status: criteria provided, conflicting classifications (1 of 4 stars). 3 submissions from 3 submitters: Uncertain significance (2); Likely benign (1). Last evaluated 2024-11-20.

Conditions:
Nephronophthisis. Also called: Juvenile Nephronophthisis. Identifiers: Orphanet 655, MedGen C0687120, MONDO:0019005, HP:0000090.
Nephronophthisis 4 (NPHP4). Also called: NEPHRONOPHTHISIS 4, JUVENILE. Identifiers: Orphanet 655, MedGen C1847013, MONDO:0011752, OMIM 606966.
Senior-Loken syndrome 4 (SLSN4). Identifiers: Orphanet 3156, MedGen C1846979, MONDO:0011756, OMIM 606996.

Allele frequency attached by ClinVar (database versions not stated): TOPMed below 0.00001; gnomAD 0.00001.
gnomAD v4.1: 19 of 1,608,372 alleles (0.0012%); highest among the groups gnomAD compares: Admixed American, 0.0017%; no homozygotes.

Submissions (3):

Blueprint Genetics
Classification: Likely benign. Last evaluated: 2024-11-20. Review status: criteria provided, single submitter. Criteria: ACMG Guidelines, 2015. Collection method: clinical testing. Allele origin: germline.

Labcorp Genetics (formerly Invitae), Labcorp
Classification: Uncertain significance for Nephronophthisis. Last evaluated: 2024-01-01. Review status: criteria provided, single submitter. Criteria: Invitae Variant Classification Sherloc (09022015). Collection method: clinical testing. Allele origin: germline.
Comment: This sequence change replaces threonine, which is neutral and polar, with serine, which is neutral and polar, at codon 746 of the NPHP4 protein (p.Thr746Ser). This variant is present in population databases (rs780500004, gnomAD 0.002%). This variant has not been reported in the literature in individuals affected with NPHP4-related conditions. ClinVar contains an entry for this variant (Variation ID: 1003111). Advanced modeling of protein sequence and biophysical properties (such as structural, functional, and spatial information, amino acid conservation, physicochemical variation, residue mobility, and thermodynamic stability) performed at Invitae indicates that this missense variant is not expected to disrupt NPHP4 protein function with a negative predictive value of 80%. In summary, the available evidence is currently insufficient to determine the role of this variant in disease. Therefore, it has been classified as a Variant of Uncertain Significance.

Fulgent Genetics
Classification: Uncertain significance for Nephronophthisis 4; Senior-Loken syndrome 4. Last evaluated: 2021-12-09. Review status: criteria provided, single submitter. Criteria: ACMG Guidelines, 2015. Collection method: clinical testing. Allele origin: unknown.